The following is an entry in ClinVar:

NM_004281.4(BAG3):c.1294_1296delinsATG (p.Val432Met)

Gene: BAG3 (BAG cochaperone 3; plus strand). Cytogenetic location: 10q26.11.
Variant type: Indel.
Coding change: c.1294_1296delinsATG on transcript NM_004281.4 (MANE Select); coding-DNA positions 1294 to 1296, GTA replaced by ATG.
Protein change: p.Val432Met; replaces valine 432 with methionine.
Molecular consequence: missense variant.
Genome position (GRCh38, 1-based): chr10:119,676,848-119,676,850, GTA replaced by ATG. VCF-style: chr10-119676848-GTA-ATG. GRCh37 (hg19) VCF-style: chr10-121436360-GTA-ATG.
Other names: short protein forms V432M.
Identifiers: ClinVar variation 3984721 (VCV003984721.2).

ClinVar aggregate classification (germline): Uncertain significance. Review status: criteria provided, multiple submitters, no conflicts (2 of 4 stars). 2 submissions from 2 submitters: Uncertain significance (2). Last evaluated 2025-10-14.

Conditions:
Dilated cardiomyopathy 1HH (CMD1HH). Identifiers: Orphanet 154, MedGen C3151293, MONDO:0013479, OMIM 613881.
Cardiovascular phenotype. Identifiers: MedGen CN230736.

Submissions (2):

MVZ Martinsried, Medicover Genetics
Classification: Uncertain significance for Dilated cardiomyopathy 1HH. Last evaluated: 2025-10-14. Review status: criteria provided, single submitter. Criteria: ClinGen Variant Curation SOP V3.2 + Classification Guidance July2025. Collection method: clinical testing. Allele origin: unknown. Affected: yes. Observed: 1 heterozygote.

Ambry Genetics
Classification: Uncertain significance for Cardiovascular phenotype. Last evaluated: 2025-03-21. Review status: criteria provided, single submitter. Criteria: Ambry Variant Classification Scheme 2023. Collection method: clinical testing. Allele origin: germline.
Comment: The c.1294_1296delGTAinsATG variant, located in coding exon 4 of the BAG3 gene, results from an in-frame deletion of GTA and insertion of ATG at nucleotide positions 1294 to 1296. This results in the substitution of the valine residue for a methionine residue at codon 432, an amino acid with highly similar properties. This amino acid position is highly conserved in available vertebrate species. In addition, this alteration is predicted to be neutral by in silico analysis (Choi Y et al. PLoS ONE. 2012; 7(10):e46688). Based on the available evidence, the clinical significance of this variant remains unclear.